The following is an entry in ClinVar:

NM_001042492.3(NF1):c.3113+2_3113+4del

Gene: NF1 (neurofibromin 1; plus strand). Cytogenetic location: 17q11.2.
Variant type: Deletion.
Coding change: c.3113+2_3113+4del on transcript NM_001042492.3 (MANE Select); the canonical splice donor site of the intron after coding-DNA position 3113 through 4 bases into the intron after coding-DNA position 3113, 3 bases deleted (TGA; older notation c.3113+2_3113+4delTGA).
Molecular consequence: splice donor variant.
Genome position (GRCh38, 1-based): chr17:31,230,384-31,230,386, TGA deleted. VCF-style (leftmost placement, unchanged base first): chr17-31230383-GTGA-G. GRCh37 (hg19) VCF-style: chr17-29557401-GTGA-G.
Other names: c.3113+2_3113+4del (NM_000267.4).
Identifiers: ClinVar variation 1443044 (VCV001443044.8), dbSNP rs2151431779, ClinGen allele CA2573153330.

ClinVar aggregate classification (germline): Pathogenic (1 of 4 stars; one submission).

Conditions:
Neurofibromatosis, type 1 (NF1). Also called: NEUROFIBROMATOSIS, TYPE I, SOMATIC; VON RECKLINGHAUSEN DISEASE; Peripheral type neurofibromatosis; Neurofibromatosis, type I. Identifiers: Orphanet 636, MedGen C0027831, MONDO:0018975, OMIM 162200. Disease mechanism: loss of function.

Submission:

Labcorp Genetics (formerly Invitae), Labcorp
Classification: Pathogenic for Neurofibromatosis, type 1. Last evaluated: 2021-01-14. Review status: criteria provided, single submitter. Criteria: Invitae Variant Classification Sherloc (09022015). Collection method: clinical testing. Allele origin: germline.
Comment: For these reasons, this variant has been classified as Pathogenic. Algorithms developed to predict the effect of sequence changes on RNA splicing suggest that this variant may disrupt the consensus splice site, but this prediction has not been confirmed by published transcriptional studies. Disruption of this splice site has been observed in individuals with clinical features of neurofibromatosis type 1 (PMID: 18546366, 26056819, Invitae). This variant is not present in population databases (ExAC no frequency). This sequence change affects a donor splice site in intron 23 of the NF1 gene. It is expected to disrupt RNA splicing. Variants that disrupt the donor or acceptor splice site typically lead to a loss of protein function (PMID: 16199547), and loss-of-function variants in NF1 are known to be pathogenic (PMID: 10712197, 23913538).

Literature cited by the submitters: PubMed 18546366; PubMed 26056819; PubMed 16199547; PubMed 10712197; PubMed 23913538.